The following is an entry in ClinVar:

ClinVar aggregate classification (germline): Uncertain significance (1 of 4 stars; one submission).

Conditions:
Dilated cardiomyopathy 1W (CMD1W). Identifiers: Orphanet 154, MedGen C1969639, MONDO:0012667, OMIM 611407.

Submission:

Labcorp Genetics (formerly Invitae), Labcorp
Classification: Uncertain significance for Dilated cardiomyopathy 1W. Last evaluated: 2024-09-18. Review status: criteria provided, single submitter. Criteria: Invitae Variant Classification Sherloc (09022015). Collection method: clinical testing. Allele origin: germline.
Comment: This sequence change falls in intron 19 of the VCL gene. It does not directly change the encoded amino acid sequence of the VCL protein. It affects a nucleotide within the consensus splice site. This variant is not present in population databases (gnomAD no frequency). This variant has not been reported in the literature in individuals affected with VCL-related conditions. Variants that disrupt the consensus splice site are a relatively common cause of aberrant splicing (PMID: 17576681, 9536098). Algorithms developed to predict the effect of sequence changes on RNA splicing suggest that this variant is not likely to affect RNA splicing. In summary, the available evidence is currently insufficient to determine the role of this variant in disease. Therefore, it has been classified as a Variant of Uncertain Significance.

Literature cited by the submitters: PubMed 17576681; PubMed 9536098.

NM_014000.3(VCL):c.2949+5T>C

Gene: VCL (vinculin; plus strand). Cytogenetic location: 10q22.2.
Variant type: single nucleotide variant.
Coding change: c.2949+5T>C on transcript NM_014000.3 (MANE Select); 5 bases into the intron after coding-DNA position 2949, T replaced by C.
Molecular consequence: intron variant.
Genome position (GRCh38, 1-based): chr10:74,112,117, T>C. VCF-style: chr10-74112117-T-C. GRCh37 (hg19) VCF-style: chr10-75871875-T-C.
Other names: c.2746-2067T>C (NM_003373.4).
Identifiers: ClinVar variation 3698180 (VCV003698180.2).